The following is an entry in ClinVar:

NM_033118.4(MYLK2):c.1000A>C (p.Met334Leu)

Gene: MYLK2 (myosin light chain kinase 2; plus strand). Cytogenetic location: 20q11.21.
Variant type: single nucleotide variant.
Coding change: c.1000A>C on transcript NM_033118.4 (MANE Select); coding-DNA position 1000, A replaced by C.
Protein change: p.Met334Leu; replaces methionine 334 with leucine.
Molecular consequence: missense variant.
Genome position (GRCh38, 1-based): chr20:31,826,632, A>C. VCF-style: chr20-31826632-A-C. GRCh37 (hg19) VCF-style: chr20-30414435-A-C.
Other names: short protein forms M334L.
Identifiers: ClinVar variation 1731698 (VCV001731698.2), dbSNP rs2062280955, ClinGen allele CA408526873.

ClinVar aggregate classification (germline): Uncertain significance (1 of 4 stars; one submission).

Submission:

Ambry Genetics
Classification: Uncertain significance. Last evaluated: 2021-09-14. Review status: criteria provided, single submitter. Criteria: Ambry Variant Classification Scheme 2023. Collection method: clinical testing. Allele origin: germline.
Comment: The p.M334L variant (also known as c.1000A>C), located in coding exon 6 of the MYLK2 gene, results from an A to C substitution at nucleotide position 1000. The methionine at codon 334 is replaced by leucine, an amino acid with highly similar properties. This amino acid position is conserved. In addition, this alteration is predicted to be tolerated by in silico analysis. Since supporting evidence is limited at this time, the clinical significance of this alteration remains unclear.